The following is an entry in ClinVar:

NM_006531.5(IFT88):c.1498T>C (p.Tyr500His)

Gene: IFT88 (intraflagellar transport 88; plus strand). Cytogenetic location: 13q12.11.
Variant type: single nucleotide variant.
Coding change: c.1498T>C on transcript NM_006531.5 (MANE Select); coding-DNA position 1498, T replaced by C.
Protein change: p.Tyr500His; replaces tyrosine 500 with histidine.
Molecular consequence: missense variant. On other transcripts: non-coding transcript variant (4).
Genome position (GRCh38, 1-based): chr13:20,638,443, T>C. VCF-style: chr13-20638443-T-C. GRCh37 (hg19) VCF-style: chr13-21212582-T-C.
Other names: c.1525T>C (NM_175605.3); c.1441T>C, p.Tyr481His (NM_001318491.2, NM_001353575.2); c.1525T>C, p.Tyr509His (NM_001318493.2, NM_001353565.2, NM_001353566.2 and 2 more transcripts); c.1498T>C, p.Tyr500His (NM_001353568.2, NM_001353572.2); c.1423T>C, p.Tyr475His (NM_001353569.2, NM_001353570.2, NM_001353576.2 and 1 more transcripts); c.1396T>C, p.Tyr466His (NM_001353571.2, NM_001353578.2); c.1354T>C, p.Tyr452His (NM_001353573.2); c.1339T>C, p.Tyr447His (NM_001353574.2); and 1 more; short protein forms Y289H, Y447H, Y452H, Y466H, Y475H, Y481H, Y500H, Y509H.
Identifiers: ClinVar variation 2313974 (VCV002313974.9), dbSNP rs759466614, ClinGen allele CA6905428.

ClinVar aggregate classification (germline): Uncertain significance. Review status: criteria provided, multiple submitters, no conflicts (2 of 4 stars). 2 submissions from 2 submitters: Uncertain significance (2). Last evaluated 2025-04-08.

Allele frequency attached by ClinVar (database versions not stated): gnomAD 0.00001; gnomAD exomes 0.00002; TOPMed 0.00002; ExAC 0.00006.
gnomAD v4.1: 25 of 1,532,408 alleles (0.0016%); highest among the groups gnomAD compares: East Asian, 0.054%; 1 homozygote.

Submissions (2):

Labcorp Genetics (formerly Invitae), Labcorp
Classification: Uncertain significance. Last evaluated: 2025-04-08. Review status: criteria provided, single submitter. Criteria: Invitae Variant Classification Sherloc (09022015). Collection method: clinical testing. Allele origin: germline.
Comment: This sequence change replaces tyrosine, which is neutral and polar, with histidine, which is basic and polar, at codon 509 of the IFT88 protein (p.Tyr509His). This variant is present in population databases (rs759466614, gnomAD 0.06%). This variant has not been reported in the literature in individuals affected with IFT88-related conditions. ClinVar contains an entry for this variant (Variation ID: 2313974). An algorithm developed to predict the effect of missense changes on protein structure and function (PolyPhen-2) suggests that this variant is likely to be tolerated. In summary, the available evidence is currently insufficient to determine the role of this variant in disease. Therefore, it has been classified as a Variant of Uncertain Significance.

Ambry Genetics
Classification: Uncertain significance. Last evaluated: 2024-04-24. Review status: criteria provided, single submitter. Criteria: Ambry Variant Classification Scheme 2023. Collection method: clinical testing. Allele origin: germline.